The following is an entry in ClinVar:

ClinVar aggregate classification (germline): Benign/Likely benign. Review status: criteria provided, multiple submitters, no conflicts (2 of 4 stars). 5 submissions from 5 submitters: Benign (1); Likely benign (4). Last evaluated 2026-01-06.

Conditions:
Pheochromocytoma/paraganglioma syndrome 4. Also called: Paragangliomas 4; SDHB-Related Hereditary Paraganglioma-Pheochromocytoma Syndrome (Paragangliomas 4); SDHB-Related Hereditary Paraganglioma-Pheochromocytoma Syndrome; PARAGANGLIOMA, FAMILIAL MALIGNANT; PARAGANGLIOMAS, HEREDITARY EXTRAADRENAL; PHEOCHROMOCYTOMA, FAMILIAL EXTRAADRENAL. Identifiers: Orphanet 29072, MedGen C1861848, MONDO:0007273, OMIM 115310.
Gastrointestinal stromal tumor. Also called: Gastrointestinal stroma tumor; Gastrointestinal stromal tumor, somatic. Identifiers: Orphanet 44890, MedGen C0238198, MeSH D046152, MONDO:0011719, OMIM 606764, HP:0100723.
Pheochromocytoma. Also called: MAX-Related Hereditary Paraganglioma-Pheochromocytoma Syndrome. Identifiers: Orphanet 29072, MedGen C0031511, MONDO:0008233, OMIM 171300, HP:0002666.
Hereditary cancer-predisposing syndrome. Also called: Tumor predisposition; Hereditary Cancer Syndrome; Neoplastic Syndromes, Hereditary; Hereditary neoplastic syndrome. Identifiers: Orphanet 140162, MedGen C0027672, MeSH D009386, MONDO:0015356.
Hereditary pheochromocytoma and paraganglioma. Also called: Hereditary paragangliomas and pheochromocytomas; Hereditary pheochromocytoma-paraganglioma; Hereditary Paraganglioma-Pheochromocytoma Syndromes. Identifiers: Orphanet 29072, MedGen C4274332, MONDO:0017366.

Allele frequency attached by ClinVar (database versions not stated): gnomAD 0.00001; gnomAD exomes 0.00001 and 0.00002; TOPMed 0.00001; ExAC 0.00003.
gnomAD v4.1: 14 of 1,612,912 alleles (0.00087%); highest among the groups gnomAD compares: Admixed American, 0.0017%; no homozygotes.

Submissions (5):

Labcorp Genetics (formerly Invitae), Labcorp
Classification: Likely benign for Gastrointestinal stromal tumor; Pheochromocytoma/paraganglioma syndrome 4; Pheochromocytoma. Last evaluated: 2026-01-06. Review status: criteria provided, single submitter. Criteria: Invitae Variant Classification Sherloc (09022015). Collection method: clinical testing. Allele origin: germline.

Myriad Genetics, Inc.
Classification: Benign for Pheochromocytoma/paraganglioma syndrome 4. Last evaluated: 2025-03-12. Review status: criteria provided, single submitter. Criteria: Myriad Autosomal Dominant, Autosomal Recessive and X-Linked Classification Criteria (2023). Collection method: clinical testing. Allele origin: unknown.
Comment: This variant is considered benign. This variant is a silent/synonymous amino acid change and it is not expected to impact splicing.

Color Diagnostics, LLC DBA Color Health
Classification: Likely benign for Hereditary pheochromocytoma and paraganglioma. Last evaluated: 2024-05-14. Review status: criteria provided, single submitter. Criteria: ACMG Guidelines, 2015. Collection method: clinical testing. Allele origin: germline.

Blueprint Genetics
Classification: Likely benign. Last evaluated: 2023-02-23. Review status: criteria provided, single submitter. Criteria: ACMG Guidelines, 2015. Collection method: clinical testing. Allele origin: germline.

Ambry Genetics
Classification: Likely benign for Hereditary cancer-predisposing syndrome. Last evaluated: 2017-07-12. Review status: criteria provided, single submitter. Criteria: Ambry Variant Classification Scheme 2023. Collection method: clinical testing. Allele origin: germline.

NM_003000.3(SDHB):c.42G>A (p.Pro14=)

Gene: SDHB (succinate dehydrogenase complex iron sulfur subunit B; minus strand). Cytogenetic location: 1p36.13.
Variant type: single nucleotide variant.
Coding change: c.42G>A on transcript NM_003000.3 (MANE Select); coding-DNA position 42, G replaced by A.
Protein change: p.Pro14=; no amino-acid change (proline 14 retained).
Molecular consequence: synonymous variant.
Genome position (GRCh38, 1-based): chr1:17,053,978, C>T on the plus strand (G>A on the coding strand, the complement: SDHB is on the minus strand). VCF-style: chr1-17053978-C-T. GRCh37 (hg19) VCF-style: chr1-17380473-C-T.
Identifiers: ClinVar variation 486419 (VCV000486419.18), dbSNP rs760753435, ClinGen allele CA089627.